The following is an entry in ClinVar:

ClinVar aggregate classification (germline): Conflicting classifications of pathogenicity. Review status: criteria provided, conflicting classifications (1 of 4 stars). 4 submissions from 4 submitters: Likely pathogenic (3); Uncertain significance (1). Last evaluated 2024-02-27.

Conditions:
Leukodystrophy, hypomyelinating, 10. Also called: PYCR2-related microcephaly-progressive leukoencephalopathy. Identifiers: Orphanet 481152, MedGen C4225332, MONDO:0014632, OMIM 616420.

Allele frequency attached by ClinVar (database versions not stated): TOPMed below 0.00001; gnomAD 0.00001.
gnomAD v4.1: 1 of 1,545,120 alleles (0.000065%); highest among the groups gnomAD compares: Admixed American, 0.0017%; no homozygotes.

Submissions (4):

Service de Génétique Médicale, Centre Hospitalier Universitaire de Nice-Université Côte d'Azur
Classification: Likely pathogenic for Leukodystrophy, hypomyelinating, 10. Last evaluated: 2024-02-27. Review status: criteria provided, single submitter. Criteria: ACMG Guidelines, 2015. Collection method: clinical testing. Allele origin: germline. Affected: yes.

Labcorp Genetics (formerly Invitae), Labcorp
Classification: Uncertain significance. Last evaluated: 2023-08-04. Review status: criteria provided, single submitter. Criteria: Invitae Variant Classification Sherloc (09022015). Collection method: clinical testing. Allele origin: germline.
Comment: This sequence change replaces methionine, which is neutral and non-polar, with arginine, which is basic and polar, at codon 216 of the PYCR2 protein (p.Met216Arg). This variant is not present in population databases (gnomAD no frequency). This variant has not been reported in the literature in individuals affected with PYCR2-related conditions. ClinVar contains an entry for this variant (Variation ID: 992852). Advanced modeling of protein sequence and biophysical properties (such as structural, functional, and spatial information, amino acid conservation, physicochemical variation, residue mobility, and thermodynamic stability) performed at Invitae indicates that this missense variant is expected to disrupt PYCR2 protein function. In summary, the available evidence is currently insufficient to determine the role of this variant in disease. Therefore, it has been classified as a Variant of Uncertain Significance.

Clinical Genetics Service, Universitary Hospital 12 de Octubre
Classification: Likely pathogenic for Leukodystrophy, hypomyelinating, 10. Review status: criteria provided, single submitter. Criteria: ACMG Guidelines, 2015. Collection method: clinical testing. Allele origin: germline. Affected: yes.

Laboratoire de Génétique Moléculaire, CHU Bordeaux
Classification: Likely pathogenic. Review status: criteria provided, single submitter. Criteria: ACMG Guidelines, 2015. Collection method: clinical testing. Allele origin: germline. Affected: yes.

Literature cited by the submitters: PubMed 38703036 (cited by Service de Génétique Médicale, Centre Hospitalier Universitaire de Nice-Université Côte d'Azur).

NM_013328.4(PYCR2):c.647T>G (p.Met216Arg)

Gene: PYCR2 (pyrroline-5-carboxylate reductase 2; minus strand). Cytogenetic location: 1q42.12.
Variant type: single nucleotide variant.
Coding change: c.647T>G on transcript NM_013328.4 (MANE Select); coding-DNA position 647, T replaced by G.
Protein change: p.Met216Arg; replaces methionine 216 with arginine.
Molecular consequence: missense variant.
Genome position (GRCh38, 1-based): chr1:225,921,358, A>C on the plus strand (T>G on the coding strand, the complement: PYCR2 is on the minus strand). VCF-style: chr1-225921358-A-C. GRCh37 (hg19) VCF-style: chr1-226109058-A-C.
Other names: c.425T>G, p.Met142Arg (NM_001271681.2); short protein forms M142R, M216R.
Identifiers: ClinVar variation 992852 (VCV000992852.8), dbSNP rs1008290173, ClinGen allele CA38534086.